The following is an entry in ClinVar:

ClinVar aggregate classification (germline): Pathogenic (1 of 4 stars; one submission).

Submission:

GeneDx
Classification: Pathogenic. Last evaluated: 2017-10-26. Review status: criteria provided, single submitter. Criteria: GeneDx Variant Classification (06012015). Collection method: clinical testing. Allele origin: germline. Affected: yes.
Comment: The c.9280delG variant in the FLG gene has not been reported previously as a pathogenic variant nor as a benign variant, to our knowledge. The c.9280delG variant causes a frameshift starting with codon Alanine 3094, changes this amino acid to a Histidine residue, and creates a premature Stop codon at position 37 of the new reading frame, denoted p.Ala3094HisfsX37. This variant is predicted to cause loss of normal protein function through protein truncation. The c.9280delG variant is observed in 2/107298 (0.004%) alleles from individuals of European (Non-Finnish) background, in one homozygous individual, in large population cohorts (Lek et al., 2016). We interpret c.9280delG as a pathogenic variant.

NM_002016.2(FLG):c.9280del (p.Ala3094fs)

Genes: FLG (filaggrin; minus strand), FLG-AS1 (FLG antisense RNA 1; plus strand). Cytogenetic location: 1q21.3.
Variant type: Deletion.
Coding change: c.9280del on transcript NM_002016.2 (MANE Select); coding-DNA position 9280, one base deleted (G; older notation c.9280delG).
Protein change: p.Ala3094fs; shifts the reading frame from alanine 3094.
Molecular consequence: frameshift variant.
Genome position (GRCh38, 1-based): chr1:152,305,606, C deleted on the plus strand (G on the coding strand, the reverse complement: FLG is on the minus strand); the first of 2 consecutive C bases (chr1:152,305,606-152,305,607); deleting either gives the same sequence. VCF-style (leftmost placement, unchanged base first): chr1-152305605-GC-G. GRCh37 (hg19) VCF-style: chr1-152278081-GC-G.
Other names: c.9280delG (NM_002016.1); short protein forms A3094fs.
Identifiers: ClinVar variation 503791 (VCV000503791.2), dbSNP rs777848510, ClinGen allele CA1103879.